The following is an entry in ClinVar:

ClinVar aggregate classification (germline): Uncertain significance (1 of 4 stars; one submission).

Conditions:
Leber congenital amaurosis 1 (LCA1). Also called: AMAUROSIS CONGENITA OF LEBER I; RETINAL BLINDNESS, CONGENITAL; Congenital absence of the rods and cones; Leber's congenital tapetoretinal degeneration; Leber's congenital tapetoretinal dysplasia. Identifiers: Orphanet 65, MedGen C2931258, MONDO:0008764, OMIM 204000.
Cone-rod dystrophy 6 (CORD6). Also called: RETINAL CONE DYSTROPHY 2; Cone dystrophy progressive. Identifiers: Orphanet 1872, MedGen C1866293, MONDO:0011143, OMIM 601777.

gnomAD v4.1: 5 of 1,613,656 alleles (0.00031%); highest among the groups gnomAD compares: Non-Finnish European, 0.00042%; no homozygotes.

Submission:

Labcorp Genetics (formerly Invitae), Labcorp
Classification: Uncertain significance for Leber congenital amaurosis 1; Cone-rod dystrophy 6. Last evaluated: 2026-01-01. Review status: criteria provided, single submitter. Criteria: Invitae Variant Classification Sherloc (09022015). Collection method: clinical testing. Allele origin: germline.
Comment: This sequence change replaces leucine, which is neutral and non-polar, with valine, which is neutral and non-polar, at codon 461 of the GUCY2D protein (p.Leu461Val). This variant is not present in population databases (gnomAD no frequency). This variant has not been reported in the literature in individuals affected with GUCY2D-related conditions. An algorithm developed to predict the effect of missense changes on protein structure and function outputs the following: PolyPhen-2: "Benign". The valine amino acid residue is found in multiple mammalian species, which suggests that this missense change does not adversely affect protein function. In summary, the available evidence is currently insufficient to determine the role of this variant in disease. Therefore, it has been classified as a Variant of Uncertain Significance.

NM_000180.4(GUCY2D):c.1381C>G (p.Leu461Val)

Gene: GUCY2D (guanylate cyclase 2D, retinal; plus strand). Cytogenetic location: 17p13.1.
Variant type: single nucleotide variant.
Coding change: c.1381C>G on transcript NM_000180.4 (MANE Select); coding-DNA position 1381, C replaced by G.
Protein change: p.Leu461Val; replaces leucine 461 with valine.
Molecular consequence: missense variant.
Genome position (GRCh38, 1-based): chr17:8,007,062, C>G. VCF-style: chr17-8007062-C-G. GRCh37 (hg19) VCF-style: chr17-7910380-C-G.
Other names: short protein forms L461V.
Identifiers: ClinVar variation 4789885 (VCV004789885.1).